The following is an entry in ClinVar:

NM_021926.4(ALX4):c.*2682C>T

Gene: ALX4 (ALX homeobox 4; minus strand). Cytogenetic location: 11p11.2.
Variant type: single nucleotide variant.
Coding change: c.*2682C>T on transcript NM_021926.4 (MANE Select); 2682 bases downstream of the stop codon, C replaced by T.
Molecular consequence: 3 prime UTR variant.
Genome position (GRCh38, 1-based): chr11:44,262,172, G>A on the plus strand (C>T on the coding strand, the complement: ALX4 is on the minus strand). VCF-style: chr11-44262172-G-A. GRCh37 (hg19) VCF-style: chr11-44283722-G-A.
Other names: c.*2682C>T (LRG_1256t1).
Identifiers: ClinVar variation 304633 (VCV000304633.6), dbSNP rs897005, ClinGen allele CA10638514.

ClinVar aggregate classification (germline): Benign. Review status: criteria provided, multiple submitters, no conflicts (2 of 4 stars). 2 submissions from 2 submitters: Benign (2). Last evaluated 2018-01-13.

Conditions:
Parietal foramina 2 (PFM2). Identifiers: Orphanet 60015, MedGen C1865044, MONDO:0012309, OMIM 609597.

Allele frequency attached by ClinVar (database versions not stated): gnomAD exomes 0.65878; gnomAD 0.69471 and 0.69684; TOPMed 0.71016; 1000 Genomes Project 0.73263; 1000 Genomes Project 30x 0.73641.
gnomAD v4.1: 106,284 of 152,414 alleles (70%); highest among the groups gnomAD compares: Admixed American, 78%; 37,339 homozygotes.

Submissions (2):

Illumina Laboratory Services, Illumina
Classification: Benign for Parietal foramina 2. Last evaluated: 2018-01-13. Review status: criteria provided, single submitter. Criteria: ICSL Variant Classification Criteria 13 December 2019. Collection method: clinical testing. Allele origin: germline.
Comment: This variant was observed in the ICSL laboratory as part of a predisposition screen in an ostensibly healthy population. It had not been previously curated by ICSL or reported in the Human Gene Mutation Database (HGMD: prior to June 1st, 2018), and was therefore a candidate for classification through an automated scoring system. Utilizing variant allele frequency, disease prevalence and penetrance estimates, and inheritance mode, an automated score was calculated to assess if this variant is too frequent to cause the disease. Based on the score and internal cut-off values, a variant classified as benign is not then subjected to further curation. The score for this variant resulted in a classification of benign for this disease.

Breakthrough Genomics
Classification: Benign. Review status: criteria provided, single submitter. Criteria: ACMG Guidelines, 2015. Collection method: not provided. Allele origin: germline. Inheritance: Autosomal recessive inheritance. Affected: yes.